The following is an entry in ClinVar:

NM_152309.3(PIK3AP1):c.1507C>G (p.Gln503Glu)

Gene: PIK3AP1 (phosphoinositide-3-kinase adaptor protein 1; minus strand). Cytogenetic location: 10q24.1.
Variant type: single nucleotide variant.
Coding change: c.1507C>G on transcript NM_152309.3 (MANE Select); coding-DNA position 1507, C replaced by G.
Protein change: p.Gln503Glu; replaces glutamine 503 with glutamic acid.
Molecular consequence: missense variant.
Genome position (GRCh38, 1-based): chr10:96,626,870, G>C on the plus strand (C>G on the coding strand, the complement: PIK3AP1 is on the minus strand). VCF-style: chr10-96626870-G-C. GRCh37 (hg19) VCF-style: chr10-98386627-G-C.
Other names: short protein forms Q503E.
Identifiers: ClinVar variation 2725604 (VCV002725604.3), dbSNP rs935163609, ClinGen allele CA212607273.

ClinVar aggregate classification (germline): Uncertain significance (1 of 4 stars; one submission).

Conditions:
Infantile spasms. Also called: Infantile spasm. Identifiers: MedGen C3887898, HP:0012469.

Allele frequency attached by ClinVar (database versions not stated): TOPMed 0.00002; gnomAD 0.00003.
gnomAD v4.1: 4 of 1,614,060 alleles (0.00025%); highest among the groups gnomAD compares: African/African-American, 0.004%; no homozygotes.

Submission:

Labcorp Genetics (formerly Invitae), Labcorp
Classification: Uncertain significance for Infantile spasms. Last evaluated: 2023-10-31. Review status: criteria provided, single submitter. Criteria: Invitae Variant Classification Sherloc (09022015). Collection method: clinical testing. Allele origin: germline.
Comment: This sequence change replaces glutamine, which is neutral and polar, with glutamic acid, which is acidic and polar, at codon 503 of the PIK3AP1 protein (p.Gln503Glu). The frequency data for this variant in the population databases is considered unreliable, as metrics indicate poor data quality at this position in the gnomAD database. This variant has not been reported in the literature in individuals affected with PIK3AP1-related conditions. An algorithm developed to predict the effect of missense changes on protein structure and function (PolyPhen-2) suggests that this variant is likely to be tolerated. In summary, the available evidence is currently insufficient to determine the role of this variant in disease. Therefore, it has been classified as a Variant of Uncertain Significance.